The following is an entry in ClinVar:

ClinVar aggregate classification (germline): Conflicting classifications of pathogenicity. Review status: criteria provided, conflicting classifications (1 of 4 stars). 2 submissions from 2 submitters: Likely pathogenic (1); Uncertain significance (1). Last evaluated 2026-09-12.

Conditions:
Early-infantile DEE. Also called: Early infantile epileptic encephalopathy with suppression bursts; Ohtahara syndrome; Early infantile epileptic encephalopathy. Identifiers: Orphanet 1934, MedGen C0393706, MONDO:0800491.

Allele frequency attached by ClinVar (database versions not stated): gnomAD exomes below 0.00001 and 0.00001; ExAC 0.00002.
gnomAD v4.1: 6 of 1,612,340 alleles (0.00037%); highest among the groups gnomAD compares: South Asian, 0.0066%; no homozygotes.

Submissions (2):

GeneDx
Classification: Uncertain significance. Last evaluated: 2026-09-12. Review status: criteria provided, single submitter. Criteria: GeneDx Variant Classification Process June 2021. Collection method: clinical testing. Allele origin: germline.
Comment: Reported in a patient with epilepsy; however, further clinical information was not provided (PMID: 31069529); Reported in a patient with generalized epilepsy with febrile seizures plus, but it is unknown whether this individual was tested for variants in other genes associated with this phenotype (PMID: 38059254); In silico analysis supports that this missense variant has a deleterious effect on protein structure/function; This substitution is predicted to be within the intracellular loop between the S4 and S5 transmembrane segments of the first homologous domain; This variant is associated with the following publications: (PMID: 31069529, 38059254)

Labcorp Genetics (formerly Invitae), Labcorp
Classification: Likely pathogenic for Early-infantile DEE. Last evaluated: 2025-01-15. Review status: criteria provided, single submitter. Criteria: Invitae Variant Classification Sherloc (09022015). Collection method: clinical testing. Allele origin: germline.
Comment: This sequence change replaces aspartic acid, which is acidic and polar, with glycine, which is neutral and non-polar, at codon 249 of the SCN1A protein (p.Asp249Gly). This variant is present in population databases (rs762927460, gnomAD 0.01%). This missense change has been observed in individual(s) with clinical features of SCN1A-related conditions and/or epilepsy (PMID: 31069529; internal data). ClinVar contains an entry for this variant (Variation ID: 660877). Invitae Evidence Modeling of protein sequence and biophysical properties (such as structural, functional, and spatial information, amino acid conservation, physicochemical variation, residue mobility, and thermodynamic stability) indicates that this missense variant is expected to disrupt SCN1A protein function with a positive predictive value of 95%. This variant disrupts the p.Asp249 amino acid residue in SCN1A. Other variant(s) that disrupt this residue have been determined to be pathogenic (PMID: 24679980, 32581296). This suggests that this residue is clinically significant, and that variants that disrupt this residue are likely to be disease-causing. In summary, the currently available evidence indicates that the variant is pathogenic, but additional data are needed to prove that conclusively. Therefore, this variant has been classified as Likely Pathogenic.

Literature cited by the submitters: PubMed 31069529 (cited by Labcorp Genetics (formerly Invitae), Labcorp); PubMed 24679980 (cited by Labcorp Genetics (formerly Invitae), Labcorp); PubMed 32581296 (cited by Labcorp Genetics (formerly Invitae), Labcorp).

NM_001165963.4(SCN1A):c.746A>G (p.Asp249Gly)

Gene: SCN1A (sodium voltage-gated channel alpha subunit 1; minus strand). Cytogenetic location: 2q24.3.
Variant type: single nucleotide variant.
Coding change: c.746A>G on transcript NM_001165963.4 (MANE Select); coding-DNA position 746, A replaced by G.
Protein change: p.Asp249Gly; replaces aspartic acid 249 with glycine.
Molecular consequence: missense variant. On other transcripts: 5 prime UTR variant (1), non-coding transcript variant (1).
Genome position (GRCh38, 1-based): chr2:166,051,937, T>C on the plus strand (A>G on the coding strand, the complement: SCN1A is on the minus strand). VCF-style: chr2-166051937-T-C. GRCh37 (hg19) VCF-style: chr2-166908447-T-C.
Other names: c.746A>G, p.Asp249Gly (NM_001165964.3, NM_001202435.3, NM_001353948.2 and 10 more transcripts); c.-1680A>G (NM_001353961.2); short protein forms D249G.
Identifiers: ClinVar variation 660877 (VCV000660877.11), dbSNP rs762927460, ClinGen allele CA1943438.
Genomic context (GRCh38, chr2:166,051,937, plus strand): 5'-AACAGCTGCAGCCCAATTAGAGCAAATACGCTCAGACAGAACACAGTCAGGATCATTACA[T>C]CTGAGAGCTTCTTCACAGACTGGATCAGGGCTCCCACAATGGTTTTCAGGCCTGAAAGAA-3'
Protein context (NP_001159435.1, residues 239-259): ALIQSVKKLS[Asp249Gly]VMILTVFCLS